The following is an entry in ClinVar:

ClinVar aggregate classification (germline): Uncertain significance (1 of 4 stars; one submission).

Conditions:
Cardiomyopathy (CMYO). Also called: Cardiomyopathies. Identifiers: Orphanet 167848, MedGen C0878544, MONDO:0004994, HP:0001638. Inheritance: Various modes of inheritance.

Submission:

Color Diagnostics, LLC DBA Color Health
Classification: Uncertain significance for Cardiomyopathy. Last evaluated: 2024-03-04. Review status: criteria provided, single submitter. Criteria: ACMG Guidelines, 2015. Collection method: clinical testing. Allele origin: germline.
Comment: This missense variant replaces tyrosine with phenylalanine at codon 248 of the DSC2 protein. Computational prediction suggests that this variant may not impact protein structure and function (internally defined REVEL score threshold <= 0.5, PMID: 27666373). To our knowledge, functional studies have not been reported for this variant. This variant has not been reported in individuals affected with DSC2-related disorders in the literature. This variant has not been identified in the general population by the Genome Aggregation Database (gnomAD). The available evidence is insufficient to determine the role of this variant in disease conclusively. Therefore, this variant is classified as a Variant of Uncertain Significance.

NM_024422.6(DSC2):c.743A>T (p.Tyr248Phe)

Gene: DSC2 (desmocollin 2; minus strand). Cytogenetic location: 18q12.1.
Variant type: single nucleotide variant.
Coding change: c.743A>T on transcript NM_024422.6 (MANE Select); coding-DNA position 743, A replaced by T.
Protein change: p.Tyr248Phe; replaces tyrosine 248 with phenylalanine.
Molecular consequence: missense variant.
Genome position (GRCh38, 1-based): chr18:31,087,701, T>A on the plus strand (A>T on the coding strand, the complement: DSC2 is on the minus strand). VCF-style: chr18-31087701-T-A. GRCh37 (hg19) VCF-style: chr18-28667664-T-A.
Other names: c.314A>T, p.Tyr105Phe (NM_001406506.1, NM_001406507.1); c.743A>T, p.Tyr248Phe (NM_004949.5); short protein forms Y105F, Y248F.
Identifiers: ClinVar variation 3894459 (VCV003894459.1).